The following is an entry in ClinVar:

ClinVar aggregate classification (germline): Uncertain significance (1 of 4 stars; one submission).

Conditions:
Cardiovascular phenotype. Identifiers: MedGen CN230736.

Submission:

Ambry Genetics
Classification: Uncertain significance for Cardiovascular phenotype. Last evaluated: 2026-03-29. Review status: criteria provided, single submitter. Criteria: Ambry Variant Classification Scheme 2023. Collection method: clinical testing. Allele origin: germline.
Comment: The p.P201H variant (also known as c.602C>A), located in coding exon 13 of the COL1A2 gene, results from a C to A substitution at nucleotide position 602. The proline at codon 201 is replaced by histidine, an amino acid with similar properties. This amino acid position is conserved. In addition, the in silico prediction for this alteration is inconclusive. Based on the available evidence, the clinical significance of this variant remains unclear.

NM_000089.4(COL1A2):c.602C>A (p.Pro201His)

Gene: COL1A2 (collagen type I alpha 2 chain; plus strand). Cytogenetic location: 7q21.3.
Variant type: single nucleotide variant.
Coding change: c.602C>A on transcript NM_000089.4 (MANE Select); coding-DNA position 602, C replaced by A.
Protein change: p.Pro201His; replaces proline 201 with histidine.
Molecular consequence: missense variant.
Genome position (GRCh38, 1-based): chr7:94,407,854, C>A. VCF-style: chr7-94407854-C-A. GRCh37 (hg19) VCF-style: chr7-94037166-C-A.
Other names: short protein forms P201H.
Identifiers: ClinVar variation 4869130 (VCV004869130.1).
Genomic context (GRCh38, chr7:94,407,854, plus strand): 5'-GGAAAAATAATTGTTATATTTAATGAACAAAAACTCAATCCTTCTCCATGTAGGGTGAAC[C>A]TGGTGCCCCTGGTGAAAATGGAACTCCAGGTCAAACAGTAAGTATTGACTACTTCATTGT-3'
Protein context (NP_000080.2, residues 191-211): QPGAPGVKGE[Pro201His]GAPGENGTPG